The following is an entry in ClinVar:

ClinVar aggregate classification (germline): Uncertain significance (1 of 4 stars; one submission).

gnomAD v4.1: 1 of 1,611,750 alleles (0.000062%); highest among the groups gnomAD compares: African/African-American, 0.0013%; no homozygotes.

Submission:

Labcorp Genetics (formerly Invitae), Labcorp
Classification: Uncertain significance. Last evaluated: 2025-06-09. Review status: criteria provided, single submitter. Criteria: Invitae Variant Classification Sherloc (09022015). Collection method: clinical testing. Allele origin: germline.
Comment: This sequence change replaces serine, which is neutral and polar, with proline, which is neutral and non-polar, at codon 39 of the SUCO protein (p.Ser39Pro). This variant is not present in population databases (gnomAD no frequency). This variant has not been reported in the literature in individuals affected with SUCO-related conditions. ClinVar contains an entry for this variant (Variation ID: 3621579). An algorithm developed to predict the effect of missense changes on protein structure and function (PolyPhen-2) suggests that this variant is likely to be tolerated. In summary, the available evidence is currently insufficient to determine the role of this variant in disease. Therefore, it has been classified as a Variant of Uncertain Significance.

NM_014283.5(SUCO):c.115T>C (p.Ser39Pro)

Gene: SUCO (SUN domain containing ossification factor; plus strand). Cytogenetic location: 1q24.3.
Variant type: single nucleotide variant.
Coding change: c.115T>C on transcript NM_014283.5 (MANE Select); coding-DNA position 115, T replaced by C.
Protein change: p.Ser39Pro; replaces serine 39 with proline.
Molecular consequence: missense variant. On other transcripts: 5 prime UTR variant (1).
Genome position (GRCh38, 1-based): chr1:172,551,564, T>C. VCF-style: chr1-172551564-T-C. GRCh37 (hg19) VCF-style: chr1-172520704-T-C.
Other names: c.115T>C, p.Ser39Pro (NM_001282750.2); c.-1415T>C (NM_001282751.2); c.700T>C, p.Ser234Pro (NM_016227.4); short protein forms S234P, S39P.
Identifiers: ClinVar variation 3621579 (VCV003621579.2).